The following is an entry in ClinVar:

NM_004304.5(ALK):c.3735C>A (p.Phe1245Leu)

Gene: ALK (ALK receptor tyrosine kinase; minus strand). Cytogenetic location: 2p23.2.
Variant type: single nucleotide variant.
Coding change: c.3735C>A on transcript NM_004304.5 (MANE Select); coding-DNA position 3735, C replaced by A.
Protein change: p.Phe1245Leu; replaces phenylalanine 1245 with leucine.
Molecular consequence: missense variant.
Genome position (GRCh38, 1-based): chr2:29,213,992, G>T on the plus strand (C>A on the coding strand, the complement: ALK is on the minus strand). VCF-style: chr2-29213992-G-T. GRCh37 (hg19) VCF-style: chr2-29436858-G-T.
Other names: c.531C>A, p.Phe177Leu (NM_001353765.2); short protein forms F1245L, F177L.
Identifiers: ClinVar variation 217857 (VCV000217857.1), dbSNP rs863225284, ClinGen allele CA279621.

ClinVar aggregate classification (germline): Pathogenic (0 of 4 stars; one submission).

Conditions:
Neuroblastoma, susceptibility to, 3. Also called: ALK-Related Neuroblastic Tumor Susceptibility. Identifiers: Orphanet 635, MedGen C2751681, MONDO:0013083, OMIM 613014.

Submission:

Genomic Diagnostic Laboratory, Division of Genomic Diagnostics, Children's Hospital of Philadelphia
Classification: Pathogenic for Neuroblastoma, susceptibility to, 3. Last evaluated: 2015-10-07. Review status: no assertion criteria provided. Collection method: clinical testing. Allele origin: somatic. Affected: yes. Observed: 1 variant allele.
Comment: Clinical Testing